The following is an entry in ClinVar:

NM_000017.4(ACADS):c.1072G>A (p.Ala358Thr)

Gene: ACADS (acyl-CoA dehydrogenase short chain; plus strand). Cytogenetic location: 12q24.31.
Variant type: single nucleotide variant.
Coding change: c.1072G>A on transcript NM_000017.4 (MANE Select); coding-DNA position 1072, G replaced by A.
Protein change: p.Ala358Thr; replaces alanine 358 with threonine.
Molecular consequence: missense variant.
Genome position (GRCh38, 1-based): chr12:120,739,182, G>A. VCF-style: chr12-120739182-G-A. GRCh37 (hg19) VCF-style: chr12-121176985-G-A.
Other names: c.1060G>A, p.Ala354Thr (NM_001302554.2); short protein forms A354T, A358T.
Identifiers: ClinVar variation 3717510 (VCV003717510.2).

ClinVar aggregate classification (germline): Uncertain significance (1 of 4 stars; one submission).

Conditions:
Deficiency of butyryl-CoA dehydrogenase (ACADSD). Also called: Short-Chain Acyl-CoA Dehydrogenase Deficiency; SCAD DEFICIENCY, MILD; ACYL-CoA DEHYDROGENASE, SHORT-CHAIN, DEFICIENCY OF; SCAD Deficiency; ACADS DEFICIENCY; SCADH DEFICIENCY. Identifiers: Orphanet 26792, MedGen C0342783, MONDO:0008722, OMIM 201470. Disease mechanism: May be benign.

Submission:

Labcorp Genetics (formerly Invitae), Labcorp
Classification: Uncertain significance for Deficiency of butyryl-CoA dehydrogenase. Last evaluated: 2024-02-01. Review status: criteria provided, single submitter. Criteria: Invitae Variant Classification Sherloc (09022015). Collection method: clinical testing. Allele origin: germline.
Comment: This sequence change replaces alanine, which is neutral and non-polar, with threonine, which is neutral and polar, at codon 358 of the ACADS protein (p.Ala358Thr). This variant is present in population databases (no rsID available, gnomAD 0.003%). This variant has not been reported in the literature in individuals affected with ACADS-related conditions. Algorithms developed to predict the effect of missense changes on protein structure and function output the following: SIFT: "Not Available"; PolyPhen-2: "Benign"; Align-GVGD: "Not Available". The threonine amino acid residue is found in multiple mammalian species, which suggests that this missense change does not adversely affect protein function. In summary, the available evidence is currently insufficient to determine the role of this variant in disease. Therefore, it has been classified as a Variant of Uncertain Significance.